The following is an entry in ClinVar:

NM_138413.4(HOGA1):c.713dup (p.Val239fs)

Gene: HOGA1 (4-hydroxy-2-oxoglutarate aldolase 1; plus strand). Cytogenetic location: 10q24.2.
Variant type: Duplication.
Coding change: c.713dup on transcript NM_138413.4 (MANE Select); coding-DNA position 713, one base duplicated (G; older notation c.713dupG).
Protein change: p.Val239fs; shifts the reading frame from valine 239.
Molecular consequence: frameshift variant.
Genome position (GRCh38, 1-based): chr10:97,601,869, G duplicated; the last of 6 consecutive G bases (chr10:97,601,864-97,601,869); duplicating any one gives the same sequence. VCF-style (leftmost placement, unchanged base first): chr10-97601863-T-TG. GRCh37 (hg19) VCF-style: chr10-99361620-T-TG.
Other names: c.713dupG (NM_138413.4, NM_138413.3); c.224dup, p.Val76fs (NM_001134670.2); short protein forms V76fs, V239fs.
Identifiers: ClinVar variation 952942 (VCV000952942.12), dbSNP rs760930050, ClinGen allele CA5634222.

ClinVar aggregate classification (germline): Pathogenic/Likely pathogenic. Review status: criteria provided, multiple submitters, no conflicts (2 of 4 stars). 4 submissions from 4 submitters: Pathogenic (2); Likely pathogenic (2). Last evaluated 2025-10-03.

Conditions:
Primary hyperoxaluria type 3. Also called: PH III. Identifiers: Orphanet 416, Orphanet 93600, MedGen C3150878, MONDO:0013327, OMIM 613616. Disease mechanism: loss of function.

Submissions (4):

Rare Kidney Stone Consortium and the Mayo Clinic Hyperoxaluria Center, Mayo Clinic
Classification: Pathogenic for Primary hyperoxaluria type 3. Last evaluated: 2025-10-03. Review status: criteria provided, single submitter. Criteria: ACMG Guidelines, 2015. Collection method: research. Allele origin: germline. Affected: yes. Observed: 1 variant allele.
Comment: ACMG:PVS1, PM2, PP5

Natera, Inc.
Classification: Likely pathogenic for Primary hyperoxaluria type III. Last evaluated: 2024-07-15. Review status: criteria provided, single submitter. Criteria: Natera Variant Classification Schema (03/2026). Collection method: clinical testing. Allele origin: germline.
Comment: The c.713dupG variant in HOGA1 is a frameshift variant predicted to shift the reading frame beginning at codon 239 and leads to a stop codon 36 codons downstream. This variant is expected to result in nonsense mediated decay, truncation, or a dysfunctional protein product. This variant is rare in the general population with a frequency below the threshold expected for the associated phenotype(s). Given the available evidence, this variant is classified as Likely Pathogenic.

Fulgent Genetics
Classification: Likely pathogenic for Primary hyperoxaluria type 3. Last evaluated: 2024-04-10. Review status: criteria provided, single submitter. Criteria: ACMG Guidelines, 2015. Collection method: clinical testing. Allele origin: germline.

Labcorp Genetics (formerly Invitae), Labcorp
Classification: Pathogenic. Last evaluated: 2023-08-31. Review status: criteria provided, single submitter. Criteria: Invitae Variant Classification Sherloc (09022015). Collection method: clinical testing. Allele origin: germline.
Comment: This sequence change creates a premature translational stop signal (p.Val239Argfs*36) in the HOGA1 gene. While this is not anticipated to result in nonsense mediated decay, it is expected to disrupt the last 89 amino acid(s) of the HOGA1 protein. This variant is not present in population databases (gnomAD no frequency). This variant has not been reported in the literature in individuals affected with HOGA1-related conditions. ClinVar contains an entry for this variant (Variation ID: 952942). This variant disrupts a region of the HOGA1 protein in which other variant(s) (p.Cys257Gly, p.Arg255X) have been determined to be pathogenic (PMID: 20797690, 21896830, 22771891, 25972204). This suggests that this is a clinically significant region of the protein, and that variants that disrupt it are likely to be disease-causing. For these reasons, this variant has been classified as Pathogenic.

Literature cited by the submitters: PubMed 37318624 (cited by Rare Kidney Stone Consortium and the Mayo Clinic Hyperoxaluria Center, Mayo Clinic); PubMed 40794449 (cited by Rare Kidney Stone Consortium and the Mayo Clinic Hyperoxaluria Center, Mayo Clinic); PubMed 20797690 (cited by Labcorp Genetics (formerly Invitae), Labcorp); PubMed 21896830 (cited by Labcorp Genetics (formerly Invitae), Labcorp); PubMed 22771891 (cited by Labcorp Genetics (formerly Invitae), Labcorp); PubMed 25972204 (cited by Labcorp Genetics (formerly Invitae), Labcorp).